The following is an entry in ClinVar:

NM_005228.5(EGFR):c.709G>A (p.Ala237Thr)

Gene: EGFR (epidermal growth factor receptor; plus strand). Cytogenetic location: 7p11.2.
Variant type: single nucleotide variant.
Coding change: c.709G>A on transcript NM_005228.5 (MANE Select); coding-DNA position 709, G replaced by A.
Protein change: p.Ala237Thr; replaces alanine 237 with threonine.
Molecular consequence: missense variant. On other transcripts: intron variant (1).
Genome position (GRCh38, 1-based): chr7:55,152,626, G>A. VCF-style: chr7-55152626-G-A. GRCh37 (hg19) VCF-style: chr7-55220319-G-A.
Other names: c.574G>A, p.Ala192Thr (NM_001346897.2, NM_001346899.2); c.709G>A, p.Ala237Thr (NM_001346898.2, NM_201282.2, NM_201283.2 and 1 more transcripts); c.550G>A, p.Ala184Thr (NM_001346900.2); c.89-3204G>A (NM_001346941.2); short protein forms A192T, A237T, A184T.
Identifiers: ClinVar variation 4016734 (VCV004016734.1).
Genomic context (GRCh38, chr7:55,152,626, plus strand): 5'-CAGCAGTGCTCCGGGCGCTGCCGTGGCAAGTCCCCCAGTGACTGCTGCCACAACCAGTGT[G>A]CTGCAGGCTGCACAGGCCCCCGGGAGAGCGACTGCCTGGTAAGATGCCCCTCCAGCAGCC-3'
Protein context (NP_005219.2, residues 227-247): SPSDCCHNQC[Ala237Thr]AGCTGPRESD

ClinVar aggregate classification (germline): Uncertain significance (1 of 4 stars; one submission).

Conditions:
Hereditary cancer-predisposing syndrome. Also called: Tumor predisposition; Hereditary neoplastic syndrome; Neoplastic Syndromes, Hereditary; Hereditary Cancer Syndrome. Identifiers: Orphanet 140162, MedGen C0027672, MeSH D009386, MONDO:0015356.

Submission:

Ambry Genetics
Classification: Uncertain significance for Hereditary cancer-predisposing syndrome. Last evaluated: 2025-05-12. Review status: criteria provided, single submitter. Criteria: Ambry Variant Classification Scheme 2023. Collection method: clinical testing. Allele origin: germline.
Comment: The p.A237T variant (also known as c.709G>A), located in coding exon 6 of the EGFR gene, results from a G to A substitution at nucleotide position 709. The alanine at codon 237 is replaced by threonine, an amino acid with similar properties. This amino acid position is highly conserved in available vertebrate species. In addition, the in silico prediction for this alteration is inconclusive. Based on the available evidence, the clinical significance of this variant remains unclear.